The following is an entry in ClinVar:

ClinVar aggregate classification (germline): Pathogenic (1 of 4 stars; one submission).

Conditions:
Intellectual developmental disorder, autosomal recessive 13. Also called: Intellectual disability, autosomal recessive 13. Identifiers: Orphanet 88616, MedGen C2750791, MONDO:0013173, OMIM 613192.

Submission:

Juno Genomics, Hangzhou Juno Genomics, Inc
Classification: Pathogenic for Intellectual developmental disorder, autosomal recessive 13. Review status: criteria provided, single submitter. Criteria: ACMG Guidelines, 2015. Collection method: clinical testing. Allele origin: germline.
Comment: Absent from controls (or at extremely low frequency if recessive) in Genome Aggregation Database.;Null variant in a gene where loss of function (LOF) is a known mechanism of disease.;For recessive disorders, detected in trans with a pathogenic variant.

NM_001160372.4(TRAPPC9):c.3056-2A>G

Gene: TRAPPC9 (trafficking protein particle complex subunit 9; minus strand). Cytogenetic location: 8q24.3.
Variant type: single nucleotide variant.
Coding change: c.3056-2A>G on transcript NM_001160372.4 (MANE Select); the canonical splice acceptor site of the intron before coding-DNA position 3056, A replaced by G.
Molecular consequence: splice acceptor variant.
Genome position (GRCh38, 1-based): chr8:139,732,204, T>C on the plus strand (A>G on the coding strand, the complement: TRAPPC9 is on the minus strand). VCF-style: chr8-139732204-T-C. GRCh37 (hg19) VCF-style: chr8-140744447-T-C.
Other names: c.3056-2A>G (NM_031466.8); c.3029-2A>G (NM_001321646.2); c.2912-2A>G (NM_001374684.1); c.2945-2A>G (NM_001374683.1); c.3077-2A>G (NM_001374682.1).
Identifiers: ClinVar variation 5007276 (VCV005007276.2).